The following is an entry in ClinVar:

NM_000329.3(RPE65):c.280A>G (p.Thr94Ala)

Gene: RPE65 (retinoid isomerohydrolase RPE65; minus strand). Cytogenetic location: 1p31.3.
Variant type: single nucleotide variant.
Coding change: c.280A>G on transcript NM_000329.3 (MANE Select); coding-DNA position 280, A replaced by G.
Protein change: p.Thr94Ala; replaces threonine 94 with alanine.
Molecular consequence: missense variant.
Genome position (GRCh38, 1-based): chr1:68,444,849, T>C on the plus strand (A>G on the coding strand, the complement: RPE65 is on the minus strand). VCF-style: chr1-68444849-T-C. GRCh37 (hg19) VCF-style: chr1-68910532-T-C.
Other names: short protein forms T94A.
Identifiers: ClinVar variation 1045866 (VCV001045866.9), dbSNP rs1645930710, ClinGen allele CA340748410.

ClinVar aggregate classification (germline): Uncertain significance. Review status: criteria provided, multiple submitters, no conflicts (2 of 4 stars). 2 submissions from 2 submitters: Uncertain significance (2). Last evaluated 2023-11-13.

Conditions:
Retinitis pigmentosa 20 (RP20). Identifiers: Orphanet 791, MedGen C3151086, MONDO:0013425, OMIM 613794.
Leber congenital amaurosis 2 (LCA2). Also called: AMAUROSIS CONGENITA OF LEBER II; Autosomal Recessive RPE65-Related Retinal Degeneration. Identifiers: Orphanet 65, MedGen C1859844, MONDO:0008765, OMIM 204100. Disease mechanism: loss of function.

Submissions (2):

Labcorp Genetics (formerly Invitae), Labcorp
Classification: Uncertain significance for Leber congenital amaurosis 2; Retinitis pigmentosa 20. Last evaluated: 2023-11-13. Review status: criteria provided, single submitter. Criteria: Invitae Variant Classification Sherloc (09022015). Collection method: clinical testing. Allele origin: germline.
Comment: This sequence change replaces threonine, which is neutral and polar, with alanine, which is neutral and non-polar, at codon 94 of the RPE65 protein (p.Thr94Ala). This variant is not present in population databases (gnomAD no frequency). This variant has not been reported in the literature in individuals affected with RPE65-related conditions. ClinVar contains an entry for this variant (Variation ID: 1045866). Advanced modeling of protein sequence and biophysical properties (such as structural, functional, and spatial information, amino acid conservation, physicochemical variation, residue mobility, and thermodynamic stability) performed at Invitae indicates that this missense variant is not expected to disrupt RPE65 protein function with a negative predictive value of 80%. In summary, the available evidence is currently insufficient to determine the role of this variant in disease. Therefore, it has been classified as a Variant of Uncertain Significance.

Breakthrough Genomics
Classification: Uncertain significance. Review status: criteria provided, single submitter. Criteria: ACMG Guidelines, 2015. Collection method: not provided. Allele origin: germline. Inheritance: Autosomal recessive inheritance. Affected: yes.